The following is an entry in ClinVar:

ClinVar aggregate classification (germline): Uncertain significance (1 of 4 stars; one submission).

Conditions:
ABCB4-related disorder. Also called: ABCB4-related disorders; ABCB4-related condition.

Submission:

PreventionGenetics, part of Exact Sciences
Classification: Uncertain significance for ABCB4-related condition. Last evaluated: 2025-03-07. Review status: criteria provided, single submitter. Criteria: ACMG Guidelines, 2015. Collection method: clinical testing. Allele origin: germline.
Comment: The ABCB4 c.598G>A variant is predicted to result in the amino acid substitution p.Ala200Thr. To our knowledge, this variant has not been reported in the literature or in a large population database (gnomAD), indicating this variant is rare. At this time, the clinical significance of this variant is uncertain due to the absence of conclusive functional and genetic evidence.

NM_000443.4(ABCB4):c.598G>A (p.Ala200Thr)

Gene: ABCB4 (ATP binding cassette subfamily B member 4; minus strand). Cytogenetic location: 7q21.12.
Variant type: single nucleotide variant.
Coding change: c.598G>A on transcript NM_000443.4 (MANE Select); coding-DNA position 598, G replaced by A.
Protein change: p.Ala200Thr; replaces alanine 200 with threonine.
Molecular consequence: missense variant.
Genome position (GRCh38, 1-based): chr7:87,451,733, C>T on the plus strand (G>A on the coding strand, the complement: ABCB4 is on the minus strand). VCF-style: chr7-87451733-C-T. GRCh37 (hg19) VCF-style: chr7-87081049-C-T.
Other names: c.598G>A, p.Ala200Thr (NM_018849.3, NM_018850.3); short protein forms A200T.
Identifiers: ClinVar variation 4984090 (VCV004984090.1).